The following is an entry in ClinVar:

ClinVar aggregate classification (germline): Uncertain significance (1 of 4 stars; one submission).

Conditions:
Malignant hyperthermia, susceptibility to, 1 (MHS1). Also called: RYR1-Related Malignant Hyperthermia Susceptibility; Anesthesia related hyperthermia; Malignant hyperpyrexia; Fulminating hyperpyrexia; Pharmacogenic myopathy; Malignant hyperthermia suceptibility 1. Identifiers: Orphanet 423, MedGen C2930980, MONDO:0007783, OMIM 145600.

gnomAD v4.1: 1 of 1,612,642 alleles (0.000062%); highest among the groups gnomAD compares: Non-Finnish European, 0.000085%; no homozygotes.

Submission:

All of Us Research Program, National Institutes of Health
Classification: Uncertain significance for Malignant hyperthermia, susceptibility to, 1. Last evaluated: 2023-02-24. Review status: criteria provided, single submitter. Criteria: ACMG Guidelines, 2015. Collection method: clinical testing. Allele origin: germline. Inheritance: Autosomal dominant inheritance. Observed: 1 variant allele, 1 heterozygote.
Comment: This variant is located in the RYR1 protein. To our knowledge, functional studies have not been reported for this variant. This variant has not been reported in individuals affected with RYR1-related disorders in the literature. This variant has not been identified in the general population by the Genome Aggregation Database (gnomAD). The available evidence is insufficient to determine the role of this variant in disease conclusively. Therefore, this variant is classified as a Variant of Uncertain Significance.

This study involves interpretation of variants in research participants for the purpose of population health screening. Participant phenotype was not available at the time of variant classification. Additional details can be found in publication PMID: 35346344, PMCID: PMC8962531

NM_000540.3(RYR1):c.11514C>T (p.Cys3838=)

Gene: RYR1 (ryanodine receptor 1; plus strand). Cytogenetic location: 19q13.2.
Variant type: single nucleotide variant.
Coding change: c.11514C>T on transcript NM_000540.3 (MANE Select); coding-DNA position 11514, C replaced by T.
Protein change: p.Cys3838=; no amino-acid change (cysteine 3838 retained).
Molecular consequence: synonymous variant.
Genome position (GRCh38, 1-based): chr19:38,535,390, C>T. VCF-style: chr19-38535390-C-T. GRCh37 (hg19) VCF-style: chr19-39026030-C-T.
Other names: c.11499C>T, p.Cys3833= (NM_001042723.2).
Identifiers: ClinVar variation 3069557 (VCV003069557.1), dbSNP rs2514532027, ClinGen allele CA507239188.